The following is an entry in ClinVar:

NM_003190.5(TAPBP):c.1126C>T (p.His376Tyr)

Gene: TAPBP (TAP binding protein; minus strand). Cytogenetic location: 6p21.32.
Variant type: single nucleotide variant.
Coding change: c.1126C>T on transcript NM_003190.5 (MANE Select); coding-DNA position 1126, C replaced by T.
Protein change: p.His376Tyr; replaces histidine 376 with tyrosine.
Molecular consequence: missense variant.
Genome position (GRCh38, 1-based): chr6:33,304,381, G>A on the plus strand (C>T on the coding strand, the complement: TAPBP is on the minus strand). VCF-style: chr6-33304381-G-A. GRCh37 (hg19) VCF-style: chr6-33272158-G-A.
Other names: c.1126C>T, p.His376Tyr (NM_001410875.1, NM_172208.3); c.865C>T, p.His289Tyr (NM_172209.3); short protein forms H376Y, H289Y.
Identifiers: ClinVar variation 4741631 (VCV004741631.1).

ClinVar aggregate classification (germline): Uncertain significance (1 of 4 stars; one submission).

Conditions:
MHC class I deficiency. Identifiers: Orphanet 34592, MedGen C6024714, MONDO:0011476.

Submission:

Labcorp Genetics (formerly Invitae), Labcorp
Classification: Uncertain significance for MHC class I deficiency 1. Last evaluated: 2025-12-29. Review status: criteria provided, single submitter. Criteria: Invitae Variant Classification Sherloc (09022015). Collection method: clinical testing. Allele origin: germline.
Comment: This sequence change replaces histidine, which is basic and polar, with tyrosine, which is neutral and polar, at codon 376 of the TAPBP protein (p.His376Tyr). This variant is not present in population databases (gnomAD no frequency). This variant has not been reported in the literature in individuals affected with TAPBP-related conditions. An algorithm developed to predict the effect of missense changes on protein structure and function (PolyPhen-2) suggests that this variant is likely to be disruptive. In summary, the available evidence is currently insufficient to determine the role of this variant in disease. Therefore, it has been classified as a Variant of Uncertain Significance.